The following is an entry in ClinVar:

NM_015215.4(CAMTA1):c.1788G>A (p.Thr596=)

Gene: CAMTA1 (calmodulin binding transcription activator 1; plus strand). Cytogenetic location: 1p36.23.
Variant type: single nucleotide variant.
Coding change: c.1788G>A on transcript NM_015215.4 (MANE Select); coding-DNA position 1788, G replaced by A.
Protein change: p.Thr596=; no amino-acid change (threonine 596 retained).
Molecular consequence: synonymous variant.
Genome position (GRCh38, 1-based): chr1:7,664,335, G>A. VCF-style: chr1-7664335-G-A. GRCh37 (hg19) VCF-style: chr1-7724395-G-A.
Other names: c.1788G>A, p.Thr596= (NM_001349610.2, NM_001410737.1, NM_001349609.2); c.1698G>A, p.Thr566= (NM_001349612.2, NM_001349608.2); c.1716G>A, p.Thr572= (NM_001410738.1).
Identifiers: ClinVar variation 2881427 (VCV002881427.7), dbSNP rs907077082, ClinGen allele CA17244834.

ClinVar aggregate classification (germline): Likely benign. Review status: criteria provided, multiple submitters, no conflicts (2 of 4 stars). 2 submissions from 2 submitters: Likely benign (2). Last evaluated 2026-01-01.

gnomAD v4.1: 7 of 1,613,394 alleles (0.00043%); highest among the groups gnomAD compares: Middle Eastern, 0.016%; no homozygotes.

Submissions (2):

CeGaT Center for Human Genetics Tuebingen
Classification: Likely benign. Last evaluated: 2026-01-01. Review status: criteria provided, single submitter. Criteria: CeGaT Center For Human Genetics Tuebingen Variant Classification Criteria Version 2. Collection method: clinical testing. Allele origin: germline. Affected: yes. Observed: 1 variant allele.
Comment: CAMTA1: BP4, BP7

Labcorp Genetics (formerly Invitae), Labcorp
Classification: Likely benign. Last evaluated: 2023-02-06. Review status: criteria provided, single submitter. Criteria: Invitae Variant Classification Sherloc (09022015). Collection method: clinical testing. Allele origin: germline.